The following is an entry in ClinVar:

ClinVar aggregate classification (germline): Conflicting classifications of pathogenicity. Review status: criteria provided, conflicting classifications (1 of 4 stars). 3 submissions from 3 submitters: Uncertain significance (2); Likely benign (1). Last evaluated 2025-12-27.

Conditions:
SIX5-related disorder. Also called: SIX5-related condition.

Allele frequency attached by ClinVar (database versions not stated): ExAC 0.00007; ESP Exome Variant Server 0.00008; gnomAD 0.00011 and 0.00012.
gnomAD v4.1: 119 of 1,613,280 alleles (0.0074%); highest among the groups gnomAD compares: Middle Eastern, 0.017%; 1 homozygote.

Submissions (3):

PreventionGenetics, part of Exact Sciences
Classification: Uncertain significance for SIX5-related condition. Last evaluated: 2025-12-27. Review status: criteria provided, single submitter. Criteria: ACMG Guidelines, 2015. Collection method: clinical testing. Allele origin: germline.
Comment: The SIX5 c.2189C>T variant is predicted to result in the amino acid substitution p.Ser730Leu. This variant was reported in an individual with congenital anomalies of the kidney and urinary tract, although pathogenicity was not established (Heidet et al. 2017. PubMed ID: 28566479). This variant is reported in 0.013% of alleles in individuals of European (Non-Finnish) descent in gnomAD, including one homozygote in the larger gnomAD v4.1.0 database. Although we suspect that this variant may be benign, at this time, the clinical significance of this variant is uncertain due to the absence of conclusive functional and genetic evidence.

Labcorp Genetics (formerly Invitae), Labcorp
Classification: Uncertain significance. Last evaluated: 2025-12-02. Review status: criteria provided, single submitter. Criteria: Invitae Variant Classification Sherloc (09022015). Collection method: clinical testing. Allele origin: germline.
Comment: This sequence change replaces serine, which is neutral and polar, with leucine, which is neutral and non-polar, at codon 730 of the SIX5 protein (p.Ser730Leu). This variant is present in population databases (rs150045306, gnomAD 0.01%). This missense change has been observed in individual(s) with bilateral kidney agenesis (PMID: 28566479). ClinVar contains an entry for this variant (Variation ID: 1315723). An algorithm developed to predict the effect of missense changes on protein structure and function (PolyPhen-2) suggests that this variant is likely to be disruptive. In summary, the available evidence is currently insufficient to determine the role of this variant in disease. Therefore, it has been classified as a Variant of Uncertain Significance.

GeneDx
Classification: Likely benign. Last evaluated: 2021-01-29. Review status: criteria provided, single submitter. Criteria: GeneDx Variant Classification Process June 2021. Collection method: clinical testing. Allele origin: germline. Affected: yes.
Comment: This variant is associated with the following publications: (PMID: 28566479)

Literature cited by the submitters: PubMed 28566479 (cited by Labcorp Genetics (formerly Invitae), Labcorp).

NM_175875.5(SIX5):c.2189C>T (p.Ser730Leu)

Gene: SIX5 (SIX homeobox 5; minus strand). Cytogenetic location: 19q13.32.
Variant type: single nucleotide variant.
Coding change: c.2189C>T on transcript NM_175875.5 (MANE Select); coding-DNA position 2189, C replaced by T.
Protein change: p.Ser730Leu; replaces serine 730 with leucine.
Molecular consequence: missense variant.
Genome position (GRCh38, 1-based): chr19:45,765,532, G>A on the plus strand (C>T on the coding strand, the complement: SIX5 is on the minus strand). VCF-style: chr19-45765532-G-A. GRCh37 (hg19) VCF-style: chr19-46268790-G-A.
Other names: short protein forms S730L.
Identifiers: ClinVar variation 1315723 (VCV001315723.7), dbSNP rs150045306, ClinGen allele CA9520395.